The following is an entry in ClinVar:

ClinVar aggregate classification (germline): Uncertain significance (1 of 4 stars; one submission).

Submission:

Labcorp Genetics (formerly Invitae), Labcorp
Classification: Uncertain significance. Last evaluated: 2025-08-19. Review status: criteria provided, single submitter. Criteria: Invitae Variant Classification Sherloc (09022015). Collection method: clinical testing. Allele origin: germline.
Comment: This sequence change replaces threonine, which is neutral and polar, with methionine, which is neutral and non-polar, at codon 312 of the CEP250 protein (p.Thr312Met). The frequency data for this variant in the population databases is considered unreliable, as metrics indicate poor data quality at this position in the gnomAD database. This variant has not been reported in the literature in individuals affected with CEP250-related conditions. ClinVar contains an entry for this variant (Variation ID: 1497693). An algorithm developed to predict the effect of missense changes on protein structure and function (PolyPhen-2) suggests that this variant is likely to be disruptive. In summary, the available evidence is currently insufficient to determine the role of this variant in disease. Therefore, it has been classified as a Variant of Uncertain Significance.

NM_007186.6(CEP250):c.935_936inv (p.Thr312Met)

Gene: CEP250 (centrosomal protein 250; plus strand). Cytogenetic location: 20q11.22.
Variant type: Inversion.
Coding change: c.935_936inv on transcript NM_007186.6 (MANE Select).
Protein change: p.Thr312Met; replaces threonine 312 with methionine.
Molecular consequence: missense variant. On other transcripts: 5 prime UTR variant (1).
Genome position: GRCh38 VCF-style: chr20-35469973-CA-TG. GRCh37 (hg19) VCF-style: chr20-34057798-CA-TG.
Other names: c.-965_-964inv (NM_001318219.1); short protein forms T312M.
Identifiers: ClinVar variation 1497693 (VCV001497693.4), ClinGen allele CA2573157011.
Genomic context (GRCh38, chr20:35,469,973, plus strand): 5'-TGACCCAGTCTCAGAAGCAAAATGAAGATTATGAAAAGATGATAAAGGCTCTGAGAGAGA[CA>TG]GTGGAGATCCTGGTACATGATCCTTTGCTCTGGAAAGGAGTTGGGCGTGGGCTTGTAGGT-3'
Protein context (NP_009117.2, residues 302-322): YEKMIKALRE[Thr312Met]VEILETNHTE